The following is an entry in ClinVar:

NM_006073.4(TRDN):c.854-134del

Genes: TRDN (triadin; minus strand), TRDN-AS1 (TRDN antisense RNA 1; plus strand). Cytogenetic location: 6q22.31.
Variant type: Deletion.
Coding change: c.854-134del on transcript NM_006073.4 (MANE Select); 134 bases into the intron before coding-DNA position 854, one base deleted (T; older notation c.854-134delT).
Molecular consequence: intron variant.
Genome position (GRCh38, 1-based): chr6:123,465,117, A deleted on the plus strand (T on the coding strand, the reverse complement: TRDN is on the minus strand); the first of 6 consecutive A bases (chr6:123,465,117-123,465,122); deleting any one gives the same sequence. VCF-style (leftmost placement, unchanged base first): chr6-123465116-CA-C. GRCh37 (hg19) VCF-style: chr6-123786261-CA-C.
Other names: c.854-134del (NM_001251987.2); c.794-134del (NM_001256020.2).
Identifiers: ClinVar variation 674794 (VCV000674794.1), dbSNP rs5879683, ClinGen allele CA147276925.

ClinVar aggregate classification (germline): Benign (1 of 4 stars; one submission).

Submission:

GeneDx
Classification: Benign. Last evaluated: 2018-06-14. Review status: criteria provided, single submitter. Criteria: GeneDx Variant Classification (06012015). Collection method: clinical testing. Allele origin: germline. Affected: yes.
Comment: This variant is considered likely benign or benign based on one or more of the following criteria: it is a conservative change, it occurs at a poorly conserved position in the protein, it is predicted to be benign by multiple in silico algorithms, and/or has population frequency not consistent with disease.